The following is an entry in ClinVar:

ClinVar aggregate classification (germline): Pathogenic (1 of 4 stars; one submission).

Conditions:
Pseudo-Hurler polydystrophy. Also called: ML III; ML III ALPHA/BETA; Type III Mucolipidosis; ML IIIA; Mucolipidosis III Alpha/Beta; MUCOLIPIDOSIS IIIA. Identifiers: Orphanet 423461, Orphanet 577, MedGen C0033788, MONDO:0018931, OMIM 252600.
Mucolipidosis type II. Also called: ML II ALPHA/BETA; Mucolipidosis 2; ML 2; Inclusion cell disease; Leroy Disease; N-acetylglucosamine 1phosphotransferase deficiency. Identifiers: Orphanet 576, MedGen C2673377, MONDO:0009650, OMIM 252500.

Submission:

Labcorp Genetics (formerly Invitae), Labcorp
Classification: Pathogenic for Pseudo-Hurler polydystrophy; Mucolipidosis type II. Last evaluated: 2021-05-10. Review status: criteria provided, single submitter. Criteria: Invitae Variant Classification Sherloc (09022015). Collection method: clinical testing. Allele origin: germline.
Comment: This sequence change creates a premature translational stop signal (p.Gly490Aspfs*10) in the GNPTAB gene. It is expected to result in an absent or disrupted protein product. Loss-of-function variants in GNPTAB are known to be pathogenic (PMID: 19617216, 25107912). This variant is not present in population databases (ExAC no frequency). This variant has not been reported in the literature in individuals with GNPTAB-related conditions. For these reasons, this variant has been classified as Pathogenic.

Literature cited by the submitters: PubMed 19617216; PubMed 25107912.

NM_024312.5(GNPTAB):c.1467del (p.Gly490fs)

Gene: GNPTAB (N-acetylglucosamine-1-phosphate transferase subunits alpha and beta; minus strand). Cytogenetic location: 12q23.2.
Variant type: Deletion.
Coding change: c.1467del on transcript NM_024312.5 (MANE Select); coding-DNA position 1467, one base deleted (T; older notation c.1467delT).
Protein change: p.Gly490fs; shifts the reading frame from glycine 490.
Molecular consequence: frameshift variant.
Genome position (GRCh38, 1-based): chr12:101,766,236, A deleted on the plus strand (T on the coding strand, the reverse complement: GNPTAB is on the minus strand); the first of 2 consecutive A bases (chr12:101,766,236-101,766,237); deleting either gives the same sequence. VCF-style (leftmost placement, unchanged base first): chr12-101766235-CA-C. GRCh37 (hg19) VCF-style: chr12-102160013-CA-C.
Other names: short protein forms G490fs.
Identifiers: ClinVar variation 1456976 (VCV001456976.6), dbSNP rs2137119229, ClinGen allele CA2573147957.
Genomic context (GRCh38, chr12:101,766,235, plus strand): 5'-CACATCCCTGATTACAGTAAGAGACACTGTTTATTCCTCCACCAAACTGCCAGGGCTGTC[CA>C]ACTCCAATACTCCCAGTACCTCCACCTCCTGCAATATAGCGACTCCCTCCACTGTTTCCT-3'